The following is an entry in ClinVar:

NM_002609.4(PDGFRB):c.2972G>A (p.Arg991His)

Gene: PDGFRB (platelet derived growth factor receptor beta; minus strand). Cytogenetic location: 5q32.
Variant type: single nucleotide variant.
Coding change: c.2972G>A on transcript NM_002609.4 (MANE Select); coding-DNA position 2972, G replaced by A.
Protein change: p.Arg991His; replaces arginine 991 with histidine.
Molecular consequence: missense variant.
Genome position (GRCh38, 1-based): chr5:150,117,783, C>T on the plus strand (G>A on the coding strand, the complement: PDGFRB is on the minus strand). VCF-style: chr5-150117783-C-T. GRCh37 (hg19) VCF-style: chr5-149497346-C-T.
Other names: p.Arg991His; c.2780G>A, p.Arg927His (NM_001355016.2); c.2489G>A, p.Arg830His (NM_001355017.2); short protein forms R927H, R830H, R991H.
Identifiers: ClinVar variation 783158 (VCV000783158.10), dbSNP rs75748462, ClinGen allele CA3507462.

ClinVar aggregate classification (germline): Benign/Likely benign. Review status: criteria provided, multiple submitters, no conflicts (2 of 4 stars). 2 submissions from 2 submitters: Benign (1); Likely benign (1). Last evaluated 2025-09-03.

Conditions:
Skeletal overgrowth-craniofacial dysmorphism-hyperelastic skin-white matter lesions syndrome. Also called: SKELETAL OVERGROWTH WITH FACIAL DYSMORPHISM, HYPERELASTIC SKIN, WHITE MATTER LESIONS, AND NEUROLOGIC DETERIORATION; Kosaki overgrowth syndrome. Identifiers: Orphanet 477831, MedGen C4225270, MONDO:0014704, OMIM 616592.
Acroosteolysis-keloid-like lesions-premature aging syndrome. Also called: Premature aging syndrome, Penttinen type; Prematurely aged appearance, delayed bone maturation, acro-osteolysis, and brachydactyly; Progeroid syndrome, Penttinen type. Identifiers: Orphanet 363665, MedGen C1866182, MONDO:0011150, OMIM 601812.
Infantile myofibromatosis (IMF). Also called: Congenital generalized fibromatosis. Identifiers: Orphanet 2591, MedGen C0432284, MONDO:0016824.
Basal ganglia calcification, idiopathic, 4 (PFBC4). Also called: PRIMARY FAMILIAL BRAIN CALCIFICATION 4, AUTOSOMAL DOMINANT; Familial Idiopathic Basal Ganglia Calcification 4. Identifiers: Orphanet 1980, MedGen C3554321, MONDO:0014004, OMIM 615007.

Allele frequency attached by ClinVar (database versions not stated): TOPMed 0.00008; gnomAD 0.00010; 1000 Genomes Project 30x 0.00125; 1000 Genomes Project 0.00160.

Submissions (2):

Labcorp Genetics (formerly Invitae), Labcorp
Classification: Likely benign for Basal ganglia calcification, idiopathic, 4; Skeletal overgrowth-craniofacial dysmorphism-hyperelastic skin-white matter lesions syndrome; Infantile myofibromatosis; Acroosteolysis-keloid-like lesions-premature aging syndrome. Last evaluated: 2025-09-03. Review status: criteria provided, single submitter. Criteria: Invitae Variant Classification Sherloc (09022015). Collection method: clinical testing. Allele origin: germline.

Mayo Clinic Laboratories, Mayo Clinic
Classification: Benign. Last evaluated: 2024-10-14. Review status: criteria provided, single submitter. Criteria: ACMG Guidelines, 2015. Collection method: clinical testing. Allele origin: germline. Observed: 1 variant allele.
Comment: BS1, BS2